The following is an entry in ClinVar:

ClinVar aggregate classification (germline): Benign/Likely benign. Review status: criteria provided, multiple submitters, no conflicts (2 of 4 stars). 3 submissions from 3 submitters: Benign (1); Likely benign (2). Last evaluated 2025-10-01.

Conditions:
Hereditary nonpolyposis colorectal neoplasms. Identifiers: MedGen C0009405, MeSH D003123.
Lynch syndrome 4 (LYNCH4). Also called: Hereditary non-polyposis colorectal cancer, type 4; Colorectal cancer, hereditary nonpolyposis, type 4. Identifiers: Orphanet 144, MedGen C1838333, MONDO:0013699, OMIM 614337. Disease mechanism: loss of function.
Hereditary cancer-predisposing syndrome. Also called: Hereditary neoplastic syndrome; Neoplastic Syndromes, Hereditary; Tumor predisposition; Hereditary Cancer Syndrome. Identifiers: Orphanet 140162, MedGen C0027672, MeSH D009386, MONDO:0015356.

Allele frequency attached by ClinVar (database versions not stated): gnomAD exomes below 0.00001 and 0.00001; ExAC 0.00001; TOPMed 0.00002.
gnomAD v4.1: 2 of 1,606,616 alleles (0.00012%); highest among the groups gnomAD compares: Admixed American, 0.0033%; no homozygotes.

Submissions (3):

Labcorp Genetics (formerly Invitae), Labcorp
Classification: Likely benign for Hereditary nonpolyposis colorectal neoplasms. Last evaluated: 2025-10-01. Review status: criteria provided, single submitter. Criteria: Invitae Variant Classification Sherloc (09022015). Collection method: clinical testing. Allele origin: germline.

Myriad Genetics, Inc.
Classification: Benign for Lynch syndrome 4. Last evaluated: 2025-02-04. Review status: criteria provided, single submitter. Criteria: Myriad Autosomal Dominant, Autosomal Recessive and X-Linked Classification Criteria (2023). Collection method: clinical testing. Allele origin: unknown.
Comment: This variant is considered benign. This variant is a silent/synonymous amino acid change and it is not expected to impact splicing.

Ambry Genetics
Classification: Likely benign for Hereditary cancer-predisposing syndrome. Last evaluated: 2019-08-10. Review status: criteria provided, single submitter. Criteria: Ambry Variant Classification Scheme 2023. Collection method: clinical testing. Allele origin: germline.

NM_000535.7(PMS2):c.2316T>C (p.Thr772=)

Gene: PMS2 (PMS1 homolog 2, mismatch repair system component; minus strand). Cytogenetic location: 7p22.1.
Variant type: single nucleotide variant.
Coding change: c.2316T>C on transcript NM_000535.7 (MANE Select); coding-DNA position 2316, T replaced by C.
Protein change: p.Thr772=; no amino-acid change (threonine 772 retained).
Molecular consequence: synonymous variant.
Genome position (GRCh38, 1-based): chr7:5,977,717, A>G on the plus strand (T>C on the coding strand, the complement: PMS2 is on the minus strand). VCF-style: chr7-5977717-A-G. GRCh37 (hg19) VCF-style: chr7-6017348-A-G.
Other names: c.1911T>C, p.Thr637= (NM_001322003.2, NM_001322004.2, NM_001322005.2); c.2160T>C, p.Thr720= (NM_001322006.2); c.1998T>C, p.Thr666= (NM_001322007.2, NM_001322008.2); c.1944T>C, p.Thr648= (NM_001322009.2); c.1755T>C, p.Thr585= (NM_001322010.2); c.1383T>C, p.Thr461= (NM_001322011.2, NM_001322012.2); c.1743T>C, p.Thr581= (NM_001322013.2); c.2349T>C, p.Thr783= (NM_001322014.2); and 1 more.
Identifiers: ClinVar variation 948586 (VCV000948586.8), dbSNP rs776971541, ClinGen allele CA047538.